The following is an entry in ClinVar:

NM_000431.4(MVK):c.1039G>C (p.Gly347Arg)

Gene: MVK (mevalonate kinase; plus strand). Cytogenetic location: 12q24.11.
Variant type: single nucleotide variant.
Coding change: c.1039G>C on transcript NM_000431.4 (MANE Select); coding-DNA position 1039, G replaced by C.
Protein change: p.Gly347Arg; replaces glycine 347 with arginine.
Molecular consequence: missense variant. On other transcripts: non-coding transcript variant (4).
Genome position (GRCh38, 1-based): chr12:109,595,181, G>C. VCF-style: chr12-109595181-G-C. GRCh37 (hg19) VCF-style: chr12-110032986-G-C.
Other names: c.457G>C, p.Gly153Arg (NM_001414515.1); c.1039G>C, p.Gly347Arg (NM_001114185.3, NM_001414511.1, NM_001414513.1); c.883G>C, p.Gly295Arg (NM_001301182.2, NM_001414514.1); c.1114G>C, p.Gly372Arg (NM_001414512.1); short protein forms G153R, G295R, G347R, G372R.
Identifiers: ClinVar variation 4847619 (VCV004847619.1).

ClinVar aggregate classification (germline): Pathogenic (1 of 4 stars; one submission).

Conditions:
Porokeratosis 3, disseminated superficial actinic type (POROK3). Also called: POROKERATOSIS, DISSEMINATED SUPERFICIAL ACTINIC, 1; POROKERATOSIS 3, MULTIPLE TYPES; POROKERATOSIS 3, MIBELLI TYPE. Identifiers: MedGen C1867981, MONDO:0008293, OMIM 175900.

Submission:

Women's Health and Genetics/Laboratory Corporation of America, LabCorp
Classification: Pathogenic for Porokeratosis 3, disseminated superficial actinic type. Last evaluated: 2026-03-31. Review status: criteria provided, single submitter. Criteria: LabCorp Variant Classification Summary - May 2015. Collection method: clinical testing. Allele origin: germline.
Comment: Variant summary: MVK c.1039G>C (p.Gly347Arg) results in a non-conservative amino acid change in the encoded protein sequence. Algorithms developed to predict the effect of missense changes on protein structure and function all suggest that this variant is likely to be disruptive. Several computational tools predict a significant impact on normal splicing: Four predict the variant abolishes the canonical 5' splicing donor site. One predict the variant weakens the canonical 5' donor site. However, these predictions have yet to be confirmed by functional studies. The variant was absent in 250106 control chromosomes. c.1039G>C has been observed in multiple individuals from a family affected with disseminated superficial actinic porokeratosis with porokeratosis ptychotropica (examples, Peng_2021). These data indicate that the variant is very likely to be associated with disease. To our knowledge, no experimental evidence demonstrating an impact on protein function has been reported. The following publication has been ascertained in the context of this evaluation (PMID: 33458876). No submitters have cited clinical-significance assessments for this variant to ClinVar. Based on the evidence outlined above, the variant was classified as pathogenic.

Literature cited by the submitters: PubMed 33458876.